The following is an entry in ClinVar:

NM_002907.4(RECQL):c.501+3A>G

Gene: RECQL (RecQ like helicase; minus strand). Cytogenetic location: 12p12.1.
Variant type: single nucleotide variant.
Coding change: c.501+3A>G on transcript NM_002907.4 (MANE Select); 3 bases into the intron after coding-DNA position 501, A replaced by G.
Molecular consequence: intron variant.
Genome position (GRCh38, 1-based): chr12:21,486,476, T>C on the plus strand (A>G on the coding strand, the complement: RECQL is on the minus strand). VCF-style: chr12-21486476-T-C. GRCh37 (hg19) VCF-style: chr12-21639410-T-C.
Other names: c.501+3A>G (NM_032941.3).
Identifiers: ClinVar variation 584815 (VCV000584815.12), dbSNP rs929469507, ClinGen allele CA233580733.

ClinVar aggregate classification (germline): Conflicting classifications of pathogenicity. Review status: criteria provided, conflicting classifications (1 of 4 stars). 3 submissions from 3 submitters: Uncertain significance (2); Likely benign (1). Last evaluated 2025-07-25.

Conditions:
Hereditary cancer. Identifiers: MedGen C1333600.

Allele frequency attached by ClinVar (database versions not stated): gnomAD exomes below 0.00001; gnomAD 0.00001; TOPMed 0.00002.
gnomAD v4.1: 7 of 1,559,456 alleles (0.00045%); highest among the groups gnomAD compares: Non-Finnish European, 0.00052%; no homozygotes.

Submissions (3):

Quest Diagnostics Nichols Institute San Juan Capistrano
Classification: Uncertain significance. Last evaluated: 2025-07-25. Review status: criteria provided, single submitter. Criteria: Quest Diagnostics criteria. Collection method: clinical testing. Allele origin: unknown.
Comment: The RECQL c.501+3A>G variant has been reported in the published literature in individuals with breast cancer (PMID: 35264596 (2022), 35534704 (2022)). The frequency of this variant in the general population (Genome Aggregation Database) is uninformative in the assessment of its pathogenicity. Analysis of this variant using software algorithms for the prediction of the effect of nucleotide changes on splicing yielded predictions that this variant does not affect RECQL mRNA splicing. Based on the available information, we are unable to determine the clinical significance of this variant.

Mendelics
Classification: Likely benign for Hereditary cancer. Last evaluated: 2025-02-27. Review status: criteria provided, single submitter. Criteria: ACMG Guidelines, 2015. Collection method: clinical testing. Allele origin: unknown.
Comment: This variant is considered likely benign or benign based on one or more of the following: it is predicted to be benign by multiple in silico algorithms, and/or has population frequency not consistent with disease, and/or has normal protein function, and/or has lack of segregation with disease, and/or has been detected in co-occurrence with known pathogenic variant, and/or has lack of disease association in case-control studies, and/or is located in a region inconsistent with a known cause of pathogenicity.

Labcorp Genetics (formerly Invitae), Labcorp
Classification: Uncertain significance. Last evaluated: 2024-05-06. Review status: criteria provided, single submitter. Criteria: Invitae Variant Classification Sherloc (09022015). Collection method: clinical testing. Allele origin: germline.
Comment: This sequence change falls in intron 5 of the RECQL gene. It does not directly change the encoded amino acid sequence of the RECQL protein. It affects a nucleotide within the consensus splice site. This variant is present in population databases (no rsID available, gnomAD 0.007%). This variant has been observed in individual(s) with breast cancer (PMID: 35264596). ClinVar contains an entry for this variant (Variation ID: 584815). Variants that disrupt the consensus splice site are a relatively common cause of aberrant splicing (PMID: 17576681, 9536098). Algorithms developed to predict the effect of sequence changes on RNA splicing suggest that this variant may disrupt the consensus splice site. In summary, the available evidence is currently insufficient to determine the role of this variant in disease. Therefore, it has been classified as a Variant of Uncertain Significance.

Literature cited by the submitters: PubMed 35264596 (cited by Quest Diagnostics Nichols Institute San Juan Capistrano and Labcorp Genetics (formerly Invitae), Labcorp); PubMed 35534704 (cited by Quest Diagnostics Nichols Institute San Juan Capistrano); PubMed 17576681 (cited by Labcorp Genetics (formerly Invitae), Labcorp); PubMed 9536098 (cited by Labcorp Genetics (formerly Invitae), Labcorp).